The following is an entry in ClinVar:

NM_001267550.2(TTN):c.76811C>T (p.Pro25604Leu)

Genes: TTN (titin; minus strand), TTN-AS1 (TTN antisense RNA 1; plus strand). Cytogenetic location: 2q31.2.
Variant type: single nucleotide variant.
Coding change: c.76811C>T on transcript NM_001267550.2 (MANE Select); coding-DNA position 76811, C replaced by T.
Protein change: p.Pro25604Leu; replaces proline 25604 with leucine.
Molecular consequence: missense variant.
Genome position (GRCh38, 1-based): chr2:178,569,321, G>A on the plus strand (C>T on the coding strand, the complement: TTN is on the minus strand). VCF-style: chr2-178569321-G-A. GRCh37 (hg19) VCF-style: chr2-179434048-G-A.
Other names: c.71888C>T, p.Pro23963Leu (NM_001256850.1); c.49616C>T, p.Pro16539Leu (NM_003319.4); c.69107C>T, p.Pro23036Leu (NM_133378.4); c.49991C>T, p.Pro16664Leu (NM_133432.3); c.50192C>T, p.Pro16731Leu (NM_133437.4); short protein forms P23963L, P16539L, P23036L, P16664L, P16731L, P25604L.
Identifiers: ClinVar variation 1744418 (VCV001744418.3), dbSNP rs1707251307, ClinGen allele CA349613797.

ClinVar aggregate classification (germline): Uncertain significance. Review status: criteria provided, multiple submitters, no conflicts (2 of 4 stars). 2 submissions from 2 submitters: Uncertain significance (2). Last evaluated 2024-12-17.

Conditions:
Cardiovascular phenotype. Identifiers: MedGen CN230736.

Allele frequency attached by ClinVar (database versions not stated): gnomAD exomes below 0.00001; TOPMed below 0.00001.
gnomAD v4.1: 3 of 1,612,914 alleles (0.00019%); highest among the groups gnomAD compares: Non-Finnish European, 0.00017%; no homozygotes.

Submissions (2):

Women's Health and Genetics/Laboratory Corporation of America, LabCorp
Classification: Uncertain significance. Last evaluated: 2024-12-17. Review status: criteria provided, single submitter. Criteria: LabCorp Variant Classification Summary - May 2015. Collection method: clinical testing. Allele origin: germline.
Comment: Variant summary: TTN c.69107C>T in NM_133378 (p.Pro23036Leu) results in a non-conservative amino acid change in the A-band region of the encoded protein sequence. The variant is also reported as c.76811C>T in NM_001267550 (p.Pro25604Leu). Three of five in-silico tools predict a benign effect of the variant on protein function. The variant was absent in 248018 control chromosomes. The available data on variant occurrences in the general population are insufficient to allow any conclusion about variant significance. To our knowledge, no occurrence of c.69107C>T in individuals affected with Autosomal Recessive Titinopathy and no experimental evidence demonstrating its impact on protein function have been reported. ClinVar contains an entry for this variant (Variation ID: 1744418). Based on the evidence outlined above, the variant was classified as uncertain significance.

Ambry Genetics
Classification: Uncertain significance for Cardiovascular phenotype. Last evaluated: 2020-02-20. Review status: criteria provided, single submitter. Criteria: Ambry Variant Classification Scheme 2023. Collection method: clinical testing. Allele origin: germline.
Comment: The p.P16539L variant (also known as c.49616C>T), located in coding exon 153 of the TTN gene, results from a C to T substitution at nucleotide position 49616. The proline at codon 16539 is replaced by leucine, an amino acid with similar properties. This amino acid position is well conserved in available vertebrate species. In addition, this alteration is predicted to be tolerated by in silico analysis. Since supporting evidence is limited at this time, the clinical significance of this alteration remains unclear.